The following is an entry in ClinVar:

NM_000258.3(MYL3):c.193C>G (p.Pro65Ala)

Gene: MYL3 (myosin light chain 3; minus strand). Cytogenetic location: 3p21.31.
Variant type: single nucleotide variant.
Coding change: c.193C>G on transcript NM_000258.3 (MANE Select); coding-DNA position 193, C replaced by G.
Protein change: p.Pro65Ala; replaces proline 65 with alanine.
Molecular consequence: missense variant.
Genome position (GRCh38, 1-based): chr3:46,860,790, G>C on the plus strand (C>G on the coding strand, the complement: MYL3 is on the minus strand). VCF-style: chr3-46860790-G-C. GRCh37 (hg19) VCF-style: chr3-46902280-G-C.
Other names: short protein forms P65A.
Identifiers: ClinVar variation 1359828 (VCV001359828.8), dbSNP rs730880960, ClinGen allele CA352498521.

ClinVar aggregate classification (germline): Uncertain significance (1 of 4 stars; one submission).

Conditions:
Hypertrophic cardiomyopathy. Also called: HYPERTROPHIC MYOCARDIOPATHY. Identifiers: Orphanet 217569, MedGen C0007194, MeSH D002312, MONDO:0005045, HP:0001639.

Submission:

Labcorp Genetics (formerly Invitae), Labcorp
Classification: Uncertain significance for Hypertrophic cardiomyopathy. Last evaluated: 2021-06-07. Review status: criteria provided, single submitter. Criteria: Invitae Variant Classification Sherloc (09022015). Collection method: clinical testing. Allele origin: germline.
Comment: In summary, the available evidence is currently insufficient to determine the role of this variant in disease. Therefore, it has been classified as a Variant of Uncertain Significance. This sequence change replaces proline with alanine at codon 65 of the MYL3 protein (p.Pro65Ala). The proline residue is moderately conserved and there is a small physicochemical difference between proline and alanine. This variant is not present in population databases (ExAC no frequency). This variant has not been reported in the literature in individuals with MYL3-related conditions. Algorithms developed to predict the effect of missense changes on protein structure and function (SIFT, PolyPhen-2, Align-GVGD) all suggest that this variant is likely to be tolerated, but these predictions have not been confirmed by published functional studies and their clinical significance is uncertain. Algorithms developed to predict the effect of sequence changes on RNA splicing suggest that this variant may create or strengthen a splice site, but this prediction has not been confirmed by published transcriptional studies.